The following is an entry in ClinVar:

ClinVar aggregate classification (germline): Uncertain significance. Review status: criteria provided, multiple submitters, no conflicts (2 of 4 stars). 2 submissions from 2 submitters: Uncertain significance (2). Last evaluated 2024-10-23.

Allele frequency attached by ClinVar (database versions not stated): gnomAD 0.00001; TOPMed 0.00001.
gnomAD v4.1: 8 of 1,614,082 alleles (0.0005%); highest among the groups gnomAD compares: African/African-American, 0.008%; no homozygotes.

Submissions (2):

Labcorp Genetics (formerly Invitae), Labcorp
Classification: Uncertain significance. Last evaluated: 2024-10-23. Review status: criteria provided, single submitter. Criteria: Invitae Variant Classification Sherloc (09022015). Collection method: clinical testing. Allele origin: germline.
Comment: This sequence change replaces alanine, which is neutral and non-polar, with threonine, which is neutral and polar, at codon 1739 of the ABCA1 protein (p.Ala1739Thr). This variant is present in population databases (no rsID available, gnomAD no frequency). This variant has not been reported in the literature in individuals affected with ABCA1-related conditions. ClinVar contains an entry for this variant (Variation ID: 1514851). Invitae Evidence Modeling of protein sequence and biophysical properties (such as structural, functional, and spatial information, amino acid conservation, physicochemical variation, residue mobility, and thermodynamic stability) indicates that this missense variant is not expected to disrupt ABCA1 protein function with a negative predictive value of 95%. In summary, the available evidence is currently insufficient to determine the role of this variant in disease. Therefore, it has been classified as a Variant of Uncertain Significance.

Women's Health and Genetics/Laboratory Corporation of America, LabCorp
Classification: Uncertain significance. Last evaluated: 2024-08-05. Review status: criteria provided, single submitter. Criteria: LabCorp Variant Classification Summary - May 2015. Collection method: clinical testing. Allele origin: germline.
Comment: Variant summary: ABCA1 c.5215G>A (p.Ala1739Thr) results in a non-conservative amino acid change located in the ABC-2 type transporter, transmembrane domain (IPR013525) of the encoded protein sequence. Three of five in-silico tools predict a damaging effect of the variant on protein function. The variant was absent in 250906 control chromosomes. The available data on variant occurrences in the general population are insufficient to allow any conclusion about variant significance. To our knowledge, no occurrence of c.5215G>A in individuals affected with Tangier Disease and no experimental evidence demonstrating its impact on protein function have been reported. ClinVar contains an entry for this variant (Variation ID: 1514851). Based on the evidence outlined above, the variant was classified as uncertain significance.

NM_005502.4(ABCA1):c.5215G>A (p.Ala1739Thr)

Gene: ABCA1 (ATP binding cassette subfamily A member 1; minus strand). Cytogenetic location: 9q31.1.
Variant type: single nucleotide variant.
Coding change: c.5215G>A on transcript NM_005502.4 (MANE Select); coding-DNA position 5215, G replaced by A.
Protein change: p.Ala1739Thr; replaces alanine 1739 with threonine.
Molecular consequence: missense variant.
Genome position (GRCh38, 1-based): chr9:104,796,331, C>T on the plus strand (G>A on the coding strand, the complement: ABCA1 is on the minus strand). VCF-style: chr9-104796331-C-T. GRCh37 (hg19) VCF-style: chr9-107558612-C-T.
Other names: short protein forms A1739T.
Identifiers: ClinVar variation 1514851 (VCV001514851.9), dbSNP rs1030249332, ClinGen allele CA197360060.